The following is an entry in ClinVar:

ClinVar aggregate classification (germline): Pathogenic/Likely pathogenic. Review status: criteria provided, multiple submitters, no conflicts (2 of 4 stars). 5 submissions from 5 submitters: Pathogenic (3); Likely pathogenic (1). 1 of the submissions does not count toward it. Last evaluated 2026-01-07.

Conditions:
Cardiovascular phenotype. Identifiers: MedGen CN230736.
Familial long QT syndrome (RWS). Also called: Congenital long QT syndrome; Romano-Ward syndrome; VENTRICULAR FIBRILLATION WITH PROLONGED QT INTERVAL. Identifiers: Orphanet 768, MedGen C1141890, MONDO:0019171.
Long QT syndrome (LQTS). Identifiers: MedGen C0023976, MeSH D008133, MONDO:0002442. Disease mechanism: loss of function. Inheritance: Various modes of inheritance.

Submissions (5):

Ambry Genetics
Classification: Pathogenic for Cardiovascular phenotype. Last evaluated: 2026-01-07. Review status: criteria provided, single submitter. Criteria: Ambry Variant Classification Scheme 2023. Collection method: clinical testing. Allele origin: germline.
Comment: The p.H70R pathogenic mutation(also known as c.209A>G), located in coding exon 2 of the KCNH2 gene, results from an A to G substitution at nucleotide position 209. The histidine at codon 70 is replaced by arginine, an amino acid with highly similar properties. This variant was identified in one or more individuals with features consistent with long QT syndrome and segregated with disease in at least one family (Splawski I et al. Circulation. 2000;102:1178-85; Moss AJ et al. Circulation, 2002;105:794-9; Kapa S et al. Circulation. 2009;120:1752-60; Westenskow P et al. Circulation. 2004;109:1834-41; Vijayakumar R et al. Circulation. 2014;130:1936-43; Feng L et al. Circ Arrhythm Electrophysiol. 2021 Apr;14(4):e009343; external communication; Ambry internal data). In assays testing KCNQ1 function, this variant showed functionally abnormal results; however, in another assay, this variant showed normal result (Chen J et al. J. Biol. Chem. 1999;274:10113-8; Anderson CL et al. Nat Commun. 2014;5:5535; Jou CJ et al. Circ Res. 2013;112:826-30; Gianulis EC et al. J Biol Chem. 2011;286:22160-9; Feng L et al. Circ Arrhythm Electrophysiol. 2021 Apr;14(4):e009343). This missense alteration is located in a region that has a low rate of benign missense variation (Lek M et al. Nature. 2016 Aug 18;536(7616):285-91; DECIPHER: Database of Chromosomal Imbalance and Phenotype in Humans using Ensembl Resources. Firth H.V. et al. 2009. Am.J.Hum.Genet. 84, 524-533 (DOI)). This amino acid position is well conserved in available vertebrate species. In addition, this alteration is predicted to be deleterious by in silico analysis. This variant is considered to be rare based on population cohorts in the Genome Aggregation Database (gnomAD). Based on the supporting evidence, this variant is interpreted as a disease-causing mutation.

Labcorp Genetics (formerly Invitae), Labcorp
Classification: Pathogenic for Long QT syndrome. Last evaluated: 2025-11-24. Review status: criteria provided, single submitter. Criteria: Invitae Variant Classification Sherloc (09022015). Collection method: clinical testing. Allele origin: germline.
Comment: This sequence change replaces histidine, which is basic and polar, with arginine, which is basic and polar, at codon 70 of the KCNH2 protein (p.His70Arg). This variant is not present in population databases (gnomAD no frequency). This missense change has been observed in individuals with long QT syndrome (PMID: 10973849, 11854117, 22949429, 25294783; internal data). ClinVar contains an entry for this variant (Variation ID: 67363). An algorithm developed to predict the effect of missense changes on protein structure and function (PolyPhen-2) suggests that this variant is likely to be disruptive. Experimental studies have shown that this missense change affects KCNH2 function (PMID: 10187793, 21536673, 22396785, 23303164). For these reasons, this variant has been classified as Pathogenic.

Mayo Clinic Laboratories, Mayo Clinic
Classification: Likely pathogenic. Last evaluated: 2025-10-21. Review status: criteria provided, single submitter. Criteria: ACMG Guidelines, 2015. Collection method: clinical testing. Allele origin: germline. Observed: 2 variant alleles.
Comment: PP3_moderate, PM2_supporting, PS3, PS4_moderate

GeneDx
Classification: Pathogenic. Last evaluated: 2022-06-08. Review status: criteria provided, single submitter. Criteria: GeneDx Variant Classification Process June 2021. Collection method: clinical testing. Allele origin: germline. Affected: yes.
Comment: Not observed at significant frequency in large population cohorts (gnomAD); Published functional studies demonstrate a damaging effect on channel trafficking and/or channel function (Chen et al., 1999; Jou et al., 2013; Anderson et al., 2014; Perry et al., 2016); however, some conflicting studies suggest this variant may have little to no effect on these properties (Gianulis et al., 2011; Harley et al., 2012; Perry et al., 2016); In silico analysis supports that this missense variant has a deleterious effect on protein structure/function; This variant is associated with the following publications: (PMID: 22396785, 22949429, 23303164, 10973849, 15840476, 11854117, 19841300, 19716085, 10187793, 21536673, 26105569, 15051636, 25294783, 22885918, 26958806, 30012873, 22581653, 33729832, 32475984, 25417810)

Cardiovascular Biomedical Research Unit, Royal Brompton & Harefield NHS Foundation Trust
No classification provided. Condition: Familial long QT syndrome. Review status: no classification provided. Collection method: literature only. Allele origin: germline. Not counted in ClinVar's aggregate classification.
Comment: This variant has been reported as associated with Long QT syndrome in the following publications (PMID:10187793;PMID:10973849;PMID:11854117;PMID:15051636;PMID:15840476;PMID:19716085;PMID:19841300;PMID:21536673;PMID:22396785). This is a literature report, and does not necessarily reflect the clinical interpretation of the Imperial College / Royal Brompton Cardiovascular Genetics laboratory.

Literature cited by the submitters: PubMed 10187793 (cited by 4 submitters); PubMed 10973849 (cited by 4 submitters); PubMed 11854117 (cited by 4 submitters); PubMed 15051636 (cited by Ambry Genetics and Cardiovascular Biomedical Research Unit, Royal Brompton & Harefield NHS Foundation Trust); PubMed 19841300 (cited by 3 submitters); PubMed 21536673 (cited by 4 submitters); PubMed 22396785 (cited by 4 submitters); PubMed 22885918 (cited by Ambry Genetics and Mayo Clinic Laboratories, Mayo Clinic); PubMed 22949429 (cited by 3 submitters); PubMed 23303164 (cited by 3 submitters); PubMed 25294783 (cited by 3 submitters); PubMed 25417810 (cited by Ambry Genetics and Mayo Clinic Laboratories, Mayo Clinic); PubMed 33729832 (cited by Ambry Genetics); PubMed 19716085 (cited by Mayo Clinic Laboratories, Mayo Clinic and Cardiovascular Biomedical Research Unit, Royal Brompton & Harefield NHS Foundation Trust); PubMed 26958806 (cited by Mayo Clinic Laboratories, Mayo Clinic); PubMed 35688148 (cited by Mayo Clinic Laboratories, Mayo Clinic); PubMed 15840476 (cited by Cardiovascular Biomedical Research Unit, Royal Brompton & Harefield NHS Foundation Trust); PubMed 22581653 (cited by Cardiovascular Biomedical Research Unit, Royal Brompton & Harefield NHS Foundation Trust).

NM_000238.4(KCNH2):c.209A>G (p.His70Arg)

Gene: KCNH2 (potassium voltage-gated channel subfamily H member 2; minus strand). Cytogenetic location: 7q36.1.
Variant type: single nucleotide variant.
Coding change: c.209A>G on transcript NM_000238.4 (MANE Select); coding-DNA position 209, A replaced by G.
Protein change: p.His70Arg; replaces histidine 70 with arginine.
Molecular consequence: missense variant.
Genome position (GRCh38, 1-based): chr7:150,974,809, T>C on the plus strand (A>G on the coding strand, the complement: KCNH2 is on the minus strand). VCF-style: chr7-150974809-T-C. GRCh37 (hg19) VCF-style: chr7-150671897-T-C.
Other names: p.H70R:CAC>CGC; c.209A>G (LRG_288t1); c.32A>G, p.His11Arg (NM_001406755.1); c.209A>G, p.His70Arg (NM_172056.3); short protein forms H70R, H11R.
Identifiers: ClinVar variation 67363 (VCV000067363.19), dbSNP rs199473419, ClinGen allele CA006229.
Genomic context (GRCh38, chr7:150,974,809, plus strand): 5'-TCGGCGCCCAGCAGTGCCTGCGCGATCTGCGCGGCAGCGCGGCGCTGCGTGCGCGGCCCG[T>C]GCAGGAAGTCGCAGGTGCAGGGTCGCTGCATCACCTCGGCCCGCGAGTAGCCGCACAGCT-3'
Protein context (NP_000229.1, residues 60-80): MQRPCTCDFL[His70Arg]GPRTQRRAAA